The following is an entry in ClinVar:

NM_014249.4(NR2E3):c.797T>A (p.Ile266Asn)

Gene: NR2E3 (nuclear receptor subfamily 2 group E member 3; plus strand). Cytogenetic location: 15q23.
Variant type: single nucleotide variant.
Coding change: c.797T>A on transcript NM_014249.4 (MANE Select); coding-DNA position 797, T replaced by A.
Protein change: p.Ile266Asn; replaces isoleucine 266 with asparagine.
Molecular consequence: missense variant.
Genome position (GRCh38, 1-based): chr15:71,813,438, T>A. VCF-style: chr15-71813438-T-A. GRCh37 (hg19) VCF-style: chr15-72105778-T-A.
Other names: c.797T>A, p.Ile266Asn (NM_016346.4); short protein forms I266N.
Identifiers: ClinVar variation 1429992 (VCV001429992.8), dbSNP rs770027574, ClinGen allele CA393036443.

ClinVar aggregate classification (germline): Uncertain significance (1 of 4 stars; one submission).

Submission:

Labcorp Genetics (formerly Invitae), Labcorp
Classification: Uncertain significance. Last evaluated: 2022-03-10. Review status: criteria provided, single submitter. Criteria: Invitae Variant Classification Sherloc (09022015). Collection method: clinical testing. Allele origin: germline.
Comment: Experimental studies and prediction algorithms are not available or were not evaluated, and the functional significance of this variant is currently unknown. In summary, the available evidence is currently insufficient to determine the role of this variant in disease. Therefore, it has been classified as a Variant of Uncertain Significance. Algorithms developed to predict the effect of sequence changes on RNA splicing suggest that this variant may create or strengthen a splice site. This missense change has been observed in individual(s) with NR2E3-related conditions (PMID: 26894784). This variant is not present in population databases (gnomAD no frequency). This sequence change replaces isoleucine, which is neutral and non-polar, with asparagine, which is neutral and polar, at codon 266 of the NR2E3 protein (p.Ile266Asn).

Literature cited by the submitters: PubMed 26894784.